The following is an entry in ClinVar:

ClinVar aggregate classification (germline): Uncertain significance. Review status: criteria provided, multiple submitters, no conflicts (2 of 4 stars). 2 submissions from 2 submitters: Uncertain significance (2). Last evaluated 2025-10-28.

Conditions:
Brugada syndrome. Also called: Sudden unexplained nocturnal death syndrome; Sudden unexpected nocturnal death syndrome; Sudden Unexplained Death Syndrome; Sudden Unexplained Nocturnal Death Syndrome (SUNDS). Identifiers: Orphanet 130, MedGen C1142166, MONDO:0015263.

Allele frequency attached by ClinVar (database versions not stated): gnomAD 0.00001; gnomAD exomes 0.00001; TOPMed 0.00001.

Submissions (2):

Ambry Genetics
Classification: Uncertain significance. Last evaluated: 2025-10-28. Review status: criteria provided, single submitter. Criteria: Ambry Variant Classification Scheme 2023. Collection method: clinical testing. Allele origin: germline.

Labcorp Genetics (formerly Invitae), Labcorp
Classification: Uncertain significance for Brugada syndrome. Last evaluated: 2025-02-26. Review status: criteria provided, single submitter. Criteria: Invitae Variant Classification Sherloc (09022015). Collection method: clinical testing. Allele origin: germline.
Comment: This sequence change replaces methionine, which is neutral and non-polar, with valine, which is neutral and non-polar, at codon 160 of the SLMAP protein (p.Met160Val). This variant is present in population databases (no rsID available, gnomAD 0.0009%). This variant has not been reported in the literature in individuals affected with SLMAP-related conditions. ClinVar contains an entry for this variant (Variation ID: 3226008). An algorithm developed to predict the effect of missense changes on protein structure and function (PolyPhen-2) suggests that this variant is likely to be tolerated. In summary, the available evidence is currently insufficient to determine the role of this variant in disease. Therefore, it has been classified as a Variant of Uncertain Significance.

NM_001377540.1(SLMAP):c.478A>G (p.Met160Val)

Gene: SLMAP (sarcolemma associated protein; plus strand). Cytogenetic location: 3p14.3.
Variant type: single nucleotide variant.
Coding change: c.478A>G on transcript NM_001377540.1 (MANE Select); coding-DNA position 478, A replaced by G.
Protein change: p.Met160Val; replaces methionine 160 with valine.
Molecular consequence: missense variant. On other transcripts: non-coding transcript variant (1).
Genome position (GRCh38, 1-based): chr3:57,849,775, A>G. VCF-style: chr3-57849775-A-G. GRCh37 (hg19) VCF-style: chr3-57835502-A-G.
Other names: c.478A>G, p.Met160Val (NM_001304420.3, NM_001304421.2, NM_001377538.1 and 17 more transcripts); short protein forms M160V.
Identifiers: ClinVar variation 3226008 (VCV003226008.3), dbSNP rs1206326973, ClinGen allele CA353406463.